The following is an entry in ClinVar:

ClinVar aggregate classification (germline): Likely benign (1 of 4 stars; one submission).

Submission:

CeGaT Center for Human Genetics Tuebingen
Classification: Likely benign. Last evaluated: 2023-02-01. Review status: criteria provided, single submitter. Criteria: CeGaT Center For Human Genetics Tuebingen Variant Classification Criteria Version 2. Collection method: clinical testing. Allele origin: germline. Affected: yes. Observed: 1 variant allele.
Comment: AMN: PM2:Supporting, BP4, BP7

NM_030943.4(AMN):c.660G>C (p.Pro220=)

Gene: AMN (amnion associated transmembrane protein; plus strand). Cytogenetic location: 14q32.32.
Variant type: single nucleotide variant.
Coding change: c.660G>C on transcript NM_030943.4 (MANE Select); coding-DNA position 660, G replaced by C.
Protein change: p.Pro220=; no amino-acid change (proline 220 retained).
Molecular consequence: synonymous variant.
Genome position (GRCh38, 1-based): chr14:102,929,436, G>C. VCF-style: chr14-102929436-G-C. GRCh37 (hg19) VCF-style: chr14-103395773-G-C.
Identifiers: ClinVar variation 2644585 (VCV002644585.24), dbSNP rs1891277656, ClinGen allele CA488192450.